The following is an entry in ClinVar:

NM_152468.5(TMC8):c.1791C>G (p.His597Gln)

Gene: TMC8 (transmembrane channel like 8; plus strand). Cytogenetic location: 17q25.3.
Variant type: single nucleotide variant.
Coding change: c.1791C>G on transcript NM_152468.5 (MANE Select); coding-DNA position 1791, C replaced by G.
Protein change: p.His597Gln; replaces histidine 597 with glutamine.
Molecular consequence: missense variant.
Genome position (GRCh38, 1-based): chr17:78,138,700, C>G. VCF-style: chr17-78138700-C-G. GRCh37 (hg19) VCF-style: chr17-76134781-C-G.
Other names: short protein forms H597Q.
Identifiers: ClinVar variation 3699741 (VCV003699741.2).
Genomic context (GRCh38, chr17:78,138,700, plus strand): 5'-GCTGGTGGCCCTTGGGCTCCCGCCCATTGGCCAGCGTGCCCTCCACTACCTGGGCTCCCA[C>G]GCCTTCAGCTTCCCCCTCCTCATCATGCTCAGGTTCTCAGGGCAGCCGGGGCCATGGGAG-3'
Protein context (NP_689681.2, residues 587-607): GQRALHYLGS[His597Gln]AFSFPLLIML

ClinVar aggregate classification (germline): Uncertain significance (1 of 4 stars; one submission).

Conditions:
Epidermodysplasia verruciformis. Identifiers: Orphanet 302, MedGen C0014522, MONDO:0009176.

gnomAD v4.1: 2 of 1,611,860 alleles (0.00012%); highest among the groups gnomAD compares: Non-Finnish European, 0.00017%; no homozygotes.

Submission:

Labcorp Genetics (formerly Invitae), Labcorp
Classification: Uncertain significance for Epidermodysplasia verruciformis. Last evaluated: 2024-04-10. Review status: criteria provided, single submitter. Criteria: Invitae Variant Classification Sherloc (09022015). Collection method: clinical testing. Allele origin: germline.
Comment: This sequence change replaces histidine, which is basic and polar, with glutamine, which is neutral and polar, at codon 597 of the TMC8 protein (p.His597Gln). This variant is present in population databases (rs748151582, gnomAD 0.0009%). This variant has not been reported in the literature in individuals affected with TMC8-related conditions. Advanced modeling of protein sequence and biophysical properties (such as structural, functional, and spatial information, amino acid conservation, physicochemical variation, residue mobility, and thermodynamic stability) performed at Invitae indicates that this missense variant is not expected to disrupt TMC8 protein function with a negative predictive value of 80%. In summary, the available evidence is currently insufficient to determine the role of this variant in disease. Therefore, it has been classified as a Variant of Uncertain Significance.